The following is an entry in ClinVar:

NM_000642.3(AGL):c.2718G>C (p.Gln906His)

Gene: AGL (amylo-alpha-1,6-glucosidase and 4-alpha-glucanotransferase; plus strand). Cytogenetic location: 1p21.2.
Variant type: single nucleotide variant.
Coding change: c.2718G>C on transcript NM_000642.3 (MANE Select); coding-DNA position 2718, G replaced by C.
Protein change: p.Gln906His; replaces glutamine 906 with histidine.
Molecular consequence: missense variant.
Genome position (GRCh38, 1-based): chr1:99,888,014, G>C. VCF-style: chr1-99888014-G-C. GRCh37 (hg19) VCF-style: chr1-100353570-G-C.
Other names: c.2718G>C, p.Gln906His (NM_000028.3, NM_000643.3, NM_000644.3 and 2 more transcripts); c.2670G>C, p.Gln890His (NM_000646.3); c.2517G>C, p.Gln839His (NM_001425327.1); c.2514G>C, p.Gln838His (NM_001425328.1); c.2379G>C, p.Gln793His (NM_001425329.1); c.2340G>C, p.Gln780His (NM_001425332.1); short protein forms Q906H, Q890H, Q780H, Q793H, Q838H, Q839H.
Identifiers: ClinVar variation 2150831 (VCV002150831.3), dbSNP rs780025251, ClinGen allele CA341322931.

ClinVar aggregate classification (germline): Uncertain significance (1 of 4 stars; one submission).

Conditions:
Glycogen storage disease type III (GSD3). Also called: Cori disease; FORBES DISEASE. Identifiers: Orphanet 366, MedGen C0017922, MONDO:0009291, OMIM 232400.

gnomAD v4.1: 1 of 1,613,472 alleles (0.000062%); highest among the groups gnomAD compares: African/African-American, 0.0013%; no homozygotes.

Submission:

Labcorp Genetics (formerly Invitae), Labcorp
Classification: Uncertain significance for Glycogen storage disease type III. Last evaluated: 2022-07-20. Review status: criteria provided, single submitter. Criteria: Invitae Variant Classification Sherloc (09022015). Collection method: clinical testing. Allele origin: germline.
Comment: Algorithms developed to predict the effect of missense changes on protein structure and function (SIFT, PolyPhen-2, Align-GVGD) all suggest that this variant is likely to be tolerated. In summary, the available evidence is currently insufficient to determine the role of this variant in disease. Therefore, it has been classified as a Variant of Uncertain Significance. This variant has not been reported in the literature in individuals affected with AGL-related conditions. This variant is not present in population databases (gnomAD no frequency). This sequence change replaces glutamine, which is neutral and polar, with histidine, which is basic and polar, at codon 906 of the AGL protein (p.Gln906His).